The following is an entry in ClinVar:

NM_024422.6(DSC2):c.716A>G (p.Asn239Ser)

Gene: DSC2 (desmocollin 2; minus strand). Cytogenetic location: 18q12.1.
Variant type: single nucleotide variant.
Coding change: c.716A>G on transcript NM_024422.6 (MANE Select); coding-DNA position 716, A replaced by G.
Protein change: p.Asn239Ser; replaces asparagine 239 with serine.
Molecular consequence: missense variant.
Genome position (GRCh38, 1-based): chr18:31,087,728, T>C on the plus strand (A>G on the coding strand, the complement: DSC2 is on the minus strand). VCF-style: chr18-31087728-T-C. GRCh37 (hg19) VCF-style: chr18-28667691-T-C.
Other names: c.287A>G, p.Asn96Ser (NM_001406506.1, NM_001406507.1); c.716A>G, p.Asn239Ser (NM_004949.5); short protein forms N239S, N96S.
Identifiers: ClinVar variation 3085851 (VCV003085851.2), dbSNP rs2510952444, ClinGen allele CA402112815.

ClinVar aggregate classification (germline): Uncertain significance (1 of 4 stars; one submission).

Conditions:
Cardiovascular phenotype. Identifiers: MedGen CN230736.

Allele frequency attached by ClinVar (database versions not stated): gnomAD exomes below 0.00001.
gnomAD v4.1: 2 of 1,613,854 alleles (0.00012%); highest among the groups gnomAD compares: South Asian, 0.0022%; no homozygotes.

Submission:

Ambry Genetics
Classification: Uncertain significance for Cardiovascular phenotype. Last evaluated: 2024-09-08. Review status: criteria provided, single submitter. Criteria: Ambry Variant Classification Scheme 2023. Collection method: clinical testing. Allele origin: germline.
Comment: The p.N239S variant (also known as c.716A>G), located in coding exon 6 of the DSC2 gene, results from an A to G substitution at nucleotide position 716. The asparagine at codon 239 is replaced by serine, an amino acid with highly similar properties. This amino acid position is conserved. In addition, this alteration is predicted to be tolerated by in silico analysis. Based on the available evidence, the clinical significance of this variant remains unclear.